The following is an entry in ClinVar:

ClinVar aggregate classification (germline): Uncertain significance (1 of 4 stars; one submission).

Conditions:
Diffuse cerebral and cerebellar atrophy - intractable seizures - progressive microcephaly syndrome. Also called: Microcephaly, progressive, with seizures and cerebral and cerebellar atrophy. Identifiers: Orphanet 404437, MedGen C4014239, MONDO:0014335, OMIM 615760.

Allele frequency attached by ClinVar (database versions not stated): gnomAD exomes below 0.00001; TOPMed below 0.00001; ExAC 0.00001.
gnomAD v4.1: 3 of 1,614,130 alleles (0.00019%); highest among the groups gnomAD compares: Non-Finnish European, 0.00025%; no homozygotes.

Submission:

Labcorp Genetics (formerly Invitae), Labcorp
Classification: Uncertain significance for Diffuse cerebral and cerebellar atrophy - intractable seizures - progressive microcephaly syndrome. Last evaluated: 2022-04-06. Review status: criteria provided, single submitter. Criteria: Invitae Variant Classification Sherloc (09022015). Collection method: clinical testing. Allele origin: germline.
Comment: This sequence change replaces leucine, which is neutral and non-polar, with valine, which is neutral and non-polar, at codon 717 of the QARS protein (p.Leu717Val). This variant is present in population databases (rs760143907, gnomAD 0.0009%). This variant has not been reported in the literature in individuals affected with QARS-related conditions. ClinVar contains an entry for this variant (Variation ID: 1040050). Algorithms developed to predict the effect of missense changes on protein structure and function (SIFT, PolyPhen-2, Align-GVGD) all suggest that this variant is likely to be tolerated. In summary, the available evidence is currently insufficient to determine the role of this variant in disease. Therefore, it has been classified as a Variant of Uncertain Significance.

NM_005051.3(QARS1):c.2149C>G (p.Leu717Val)

Gene: QARS1 (glutaminyl-tRNA synthetase 1; minus strand). Cytogenetic location: 3p21.31.
Variant type: single nucleotide variant.
Coding change: c.2149C>G on transcript NM_005051.3 (MANE Select); coding-DNA position 2149, C replaced by G.
Protein change: p.Leu717Val; replaces leucine 717 with valine.
Molecular consequence: missense variant. On other transcripts: non-coding transcript variant (1).
Genome position (GRCh38, 1-based): chr3:49,098,194, G>C on the plus strand (C>G on the coding strand, the complement: QARS1 is on the minus strand). VCF-style: chr3-49098194-G-C. GRCh37 (hg19) VCF-style: chr3-49135627-G-C.
Other names: c.2116C>G, p.Leu706Val (NM_001272073.2); short protein forms L717V, L706V.
Identifiers: ClinVar variation 1040050 (VCV001040050.2), dbSNP rs760143907, ClinGen allele CA2391506.